The following is an entry in ClinVar:

ClinVar aggregate classification (germline): Conflicting classifications of pathogenicity. Review status: criteria provided, conflicting classifications (1 of 4 stars). 4 submissions from 4 submitters: Uncertain significance (2); Benign (1); Likely benign (1). Last evaluated 2026-01-21.

Conditions:
Von Hippel-Lindau syndrome (VHLS). Also called: Von Hippel-Lindau; von Hippel–Lindau syndrome; VHL syndrome. Identifiers: Orphanet 892, MedGen C0019562, MONDO:0008667, OMIM 193300. Disease mechanism: loss of function.
Chuvash polycythemia. Also called: POLYCYTHEMIA, VHL-DEPENDENT. Identifiers: Orphanet 238557, MedGen C1837915, MONDO:0009892, OMIM 263400.
Hereditary cancer-predisposing syndrome. Also called: Hereditary Cancer Syndrome; Hereditary neoplastic syndrome; Tumor predisposition; Neoplastic Syndromes, Hereditary. Identifiers: Orphanet 140162, MedGen C0027672, MeSH D009386, MONDO:0015356.

Allele frequency attached by ClinVar (database versions not stated): TOPMed below 0.00001; gnomAD 0.00001; ESP Exome Variant Server 0.00008.
gnomAD v4.1: 29 of 1,613,928 alleles (0.0018%); highest among the groups gnomAD compares: Non-Finnish European, 0.0023%; no homozygotes.

Submissions (4):

Labcorp Genetics (formerly Invitae), Labcorp
Classification: Likely benign for Von Hippel-Lindau syndrome; Chuvash polycythemia. Last evaluated: 2026-01-21. Review status: criteria provided, single submitter. Criteria: Invitae Variant Classification Sherloc (09022015). Collection method: clinical testing. Allele origin: germline.

Ambry Genetics
Classification: Uncertain significance for Hereditary cancer-predisposing syndrome. Last evaluated: 2025-08-01. Review status: criteria provided, single submitter. Criteria: Ambry Variant Classification Scheme 2023. Collection method: clinical testing. Allele origin: germline.
Comment: The c.385C>T variant (also known as p.L129L), located in coding exon 2 of the VHL gene, results from a C to T substitution at nucleotide position 385. This nucleotide substitution does not change the leucine at codon 129. This nucleotide position is well conserved in available vertebrate species. In silico splice site analysis for this alteration is inconclusive and direct evidence is insufficient at this time (Ambry internal data). Since supporting evidence is limited at this time, the clinical significance of this alteration remains unclear.

Color Diagnostics, LLC DBA Color Health
Classification: Uncertain significance for Von Hippel-Lindau syndrome. Last evaluated: 2025-06-12. Review status: criteria provided, single submitter. Criteria: ACMG Guidelines, 2015. Collection method: clinical testing. Allele origin: germline.
Comment: This synonymous variant in the VHL gene is predicted to have a minor impact on RNA splicing. To our knowledge, functional studies have not been reported for this variant. This variant has not been reported in individuals affected with VHL-related disorders in the literature. This variant has been identified in 1/251496 chromosomes in the general population by the Genome Aggregation Database (gnomAD). The available evidence is insufficient to determine the role of this variant in disease conclusively. Therefore, this variant is classified as a Variant of Uncertain Significance.

Myriad Genetics, Inc.
Classification: Benign for Von Hippel-Lindau syndrome. Last evaluated: 2025-06-12. Review status: criteria provided, single submitter. Criteria: Myriad Autosomal Dominant, Autosomal Recessive and X-Linked Classification Criteria (2023). Collection method: clinical testing. Allele origin: unknown.
Comment: This variant is considered benign. This variant is a silent/synonymous amino acid change and it is not expected to impact splicing.

NM_000551.4(VHL):c.385C>T (p.Leu129=)

Genes: VHL (von Hippel-Lindau tumor suppressor; plus strand), LOC107303340 (3p25 von Hippel-Lindau tumor suppressor, E3 ubiquitin protein ligase Alu-mediated recombination region; plus strand). Cytogenetic location: 3p25.3.
Variant type: single nucleotide variant.
Coding change: c.385C>T on transcript NM_000551.4 (MANE Select); coding-DNA position 385, C replaced by T.
Protein change: p.Leu129=; no amino-acid change (leucine 129 retained).
Molecular consequence: synonymous variant. On other transcripts: intron variant (2).
Genome position (GRCh38, 1-based): chr3:10,146,558, C>T. VCF-style: chr3-10146558-C-T. GRCh37 (hg19) VCF-style: chr3-10188242-C-T.
Other names: c.*18-3229C>T (NM_001354723.2); c.341-3229C>T (NM_198156.3).
Identifiers: ClinVar variation 456587 (VCV000456587.17), dbSNP rs369018004, ClinGen allele CA040752.
Genomic context (GRCh38, chr3:10,146,558, plus strand): 5'-TTGCTTGTCCCGATAGGTCACCTTTGGCTCTTCAGAGATGCAGGGACACACGATGGGCTT[C>T]TGGTTAACCAAACTGAATTATTTGTGCCATCTCTCAATGTTGACGGACAGCCTATTTTTG-3'
Protein context (NP_000542.1, residues 119-139): FRDAGTHDGL[Leu129=]VNQTELFVPS